The following is an entry in ClinVar:

NM_004994.3(MMP9):c.1735C>T (p.Leu579Phe)

Genes: MMP9 (matrix metallopeptidase 9; plus strand), SLC12A5-AS1 (SLC12A5 and MMP9 antisense RNA 1; minus strand). Cytogenetic location: 20q13.12.
Variant type: single nucleotide variant.
Coding change: c.1735C>T on transcript NM_004994.3 (MANE Select); coding-DNA position 1735, C replaced by T.
Protein change: p.Leu579Phe; replaces leucine 579 with phenylalanine.
Molecular consequence: missense variant. On other transcripts: non-coding transcript variant (1).
Genome position (GRCh38, 1-based): chr20:46,013,781, C>T. VCF-style: chr20-46013781-C-T. GRCh37 (hg19) VCF-style: chr20-44642420-C-T.
Other names: short protein forms L579F.
Identifiers: ClinVar variation 3010140 (VCV003010140.3), dbSNP rs2084301336, ClinGen allele CA409223000.

ClinVar aggregate classification (germline): Uncertain significance (1 of 4 stars; one submission).

gnomAD v4.1: 3 of 1,613,056 alleles (0.00019%); highest among the groups gnomAD compares: Non-Finnish European, 0.00025%; no homozygotes.

Submission:

Labcorp Genetics (formerly Invitae), Labcorp
Classification: Uncertain significance. Last evaluated: 2022-11-25. Review status: criteria provided, single submitter. Criteria: Invitae Variant Classification Sherloc (09022015). Collection method: clinical testing. Allele origin: germline.
Comment: This variant has not been reported in the literature in individuals affected with MMP9-related conditions. This sequence change replaces leucine, which is neutral and non-polar, with phenylalanine, which is neutral and non-polar, at codon 579 of the MMP9 protein (p.Leu579Phe). This variant is not present in population databases (gnomAD no frequency). Advanced modeling of protein sequence and biophysical properties (such as structural, functional, and spatial information, amino acid conservation, physicochemical variation, residue mobility, and thermodynamic stability) performed at Invitae indicates that this missense variant is not expected to disrupt MMP9 protein function. In summary, the available evidence is currently insufficient to determine the role of this variant in disease. Therefore, it has been classified as a Variant of Uncertain Significance.